The following is an entry in ClinVar:

NM_000548.5(TSC2):c.848+5G>A

Gene: TSC2 (TSC complex subunit 2; plus strand). Cytogenetic location: 16p13.3.
Variant type: single nucleotide variant.
Coding change: c.848+5G>A on transcript NM_000548.5 (MANE Select); 5 bases into the intron after coding-DNA position 848, G replaced by A.
Molecular consequence: intron variant.
Genome position (GRCh38, 1-based): chr16:2,057,183, G>A. VCF-style: chr16-2057183-G-A. GRCh37 (hg19) VCF-style: chr16-2107184-G-A.
Other names: c.848+5G>A (NM_001114382.3, NM_021055.3, NM_001370405.1 and 3 more transcripts); c.737+5G>A (NM_001318827.2); c.248+5G>A (NM_001318831.2); c.701+5G>A (NM_001318829.2); c.881+5G>A (NM_001318832.2).
Identifiers: ClinVar variation 468188 (VCV000468188.20), dbSNP rs1370989559, ClinGen allele CA658658340.
Genomic context (GRCh38, chr16:2,057,183, plus strand): 5'-GGCACCCACCTGGGCCACAGCGCCATCTACAACATGTGCCACCTCATGGAGGACAGGTGA[G>A]TGTGGTGGGTGGGGCGCAGGGCAGTGGAGGCCAGCACAGCCCTCGGGGCAGCTCCAGTGT-3'

ClinVar aggregate classification (germline): Conflicting classifications of pathogenicity. Review status: criteria provided, conflicting classifications (1 of 4 stars). 5 submissions from 5 submitters: Uncertain significance (2); Likely benign (3). Last evaluated 2025-08-07.

Conditions:
Hereditary cancer-predisposing syndrome. Also called: Hereditary neoplastic syndrome; Neoplastic Syndromes, Hereditary; Hereditary Cancer Syndrome; Tumor predisposition. Identifiers: Orphanet 140162, MedGen C0027672, MeSH D009386, MONDO:0015356.
Tuberous sclerosis syndrome (TSC). Also called: Tuberous Sclerosis Complex; Tuberous sclerosis. Identifiers: Orphanet 805, MedGen C0041341, MONDO:0001734.
Tuberous sclerosis 2 (TSC2). Identifiers: Orphanet 805, MedGen C1860707, MONDO:0013199, OMIM 613254.

gnomAD v4.1: 5 of 1,551,704 alleles (0.00032%); highest among the groups gnomAD compares: Non-Finnish European, 0.00044%; no homozygotes.

Submissions (5):

Labcorp Genetics (formerly Invitae), Labcorp
Classification: Likely benign for Tuberous sclerosis 2. Last evaluated: 2025-08-07. Review status: criteria provided, single submitter. Criteria: Invitae Variant Classification Sherloc (09022015). Collection method: clinical testing. Allele origin: germline.

Color Diagnostics, LLC DBA Color Health
Classification: Uncertain significance for Tuberous sclerosis syndrome. Last evaluated: 2025-07-17. Review status: criteria provided, single submitter. Criteria: ACMG Guidelines, 2015. Collection method: clinical testing. Allele origin: germline.
Comment: This variant causes a G to A nucleotide substitution at the +5 position of intron 9/41 of the TSC2 gene. To our knowledge, functional studies have not been reported for this variant. This variant has not been reported in individuals affected with TSC2-related disorders in the literature. This variant has not been identified in the general population by the Genome Aggregation Database (gnomAD). The available evidence is insufficient to determine the role of this variant in disease conclusively. Therefore, this variant is classified as a Variant of Uncertain Significance.

Ambry Genetics
Classification: Likely benign for Hereditary cancer-predisposing syndrome. Last evaluated: 2022-01-14. Review status: criteria provided, single submitter. Criteria: Ambry Variant Classification Scheme 2023. Collection method: clinical testing. Allele origin: germline.

Genome-Nilou Lab
Classification: Likely benign for Tuberous sclerosis 2. Last evaluated: 2021-11-07. Review status: criteria provided, single submitter. Criteria: ACMG Guidelines, 2015. Collection method: clinical testing. Allele origin: germline. Affected: no.

Blueprint Genetics
Classification: Uncertain significance. Last evaluated: 2019-08-15. Review status: criteria provided, single submitter. Criteria: ACMG Guidelines, 2015. Collection method: clinical testing. Allele origin: germline.